The following is an entry in ClinVar:

ClinVar aggregate classification (germline): Uncertain significance (1 of 4 stars; one submission).

Submission:

Labcorp Genetics (formerly Invitae), Labcorp
Classification: Uncertain significance. Last evaluated: 2024-10-16. Review status: criteria provided, single submitter. Criteria: Invitae Variant Classification Sherloc (09022015). Collection method: clinical testing. Allele origin: germline.
Comment: This sequence change replaces alanine, which is neutral and non-polar, with valine, which is neutral and non-polar, at codon 369 of the SLC9A3 protein (p.Ala369Val). This variant is not present in population databases (gnomAD no frequency). This variant has not been reported in the literature in individuals affected with SLC9A3-related conditions. Invitae Evidence Modeling of protein sequence and biophysical properties (such as structural, functional, and spatial information, amino acid conservation, physicochemical variation, residue mobility, and thermodynamic stability) indicates that this missense variant is not expected to disrupt SLC9A3 protein function with a negative predictive value of 80%. In summary, the available evidence is currently insufficient to determine the role of this variant in disease. Therefore, it has been classified as a Variant of Uncertain Significance.

NM_004174.4(SLC9A3):c.1106C>T (p.Ala369Val)

Gene: SLC9A3 (solute carrier family 9 member A3). Cytogenetic location: 5p15.33.
Variant type: single nucleotide variant.
Coding change: c.1106C>T on transcript NM_004174.4 (MANE Select); coding-DNA position 1106, C replaced by T.
Protein change: p.Ala369Val; replaces alanine 369 with valine.
Molecular consequence: missense variant.
Genome position (GRCh38, 1-based): chr5:483,309, G>A on the plus strand (C>T on the coding strand, the complement: SLC9A3 is on the minus strand). VCF-style: chr5-483309-G-A. GRCh37 (hg19) VCF-style: chr5-483424-G-A.
Other names: c.1106C>T, p.Ala369Val (NM_001284351.3); short protein forms A369V.
Identifiers: ClinVar variation 2839572 (VCV002839572.3), dbSNP rs2477588018, ClinGen allele CA359027789.